The following is an entry in ClinVar:

ClinVar aggregate classification (germline): Uncertain significance. Review status: criteria provided, multiple submitters, no conflicts (2 of 4 stars). 3 submissions from 3 submitters: Uncertain significance (3). Last evaluated 2023-05-03.

Conditions:
Hereditary cancer-predisposing syndrome. Also called: Hereditary Cancer Syndrome; Neoplastic Syndromes, Hereditary; Tumor predisposition; Hereditary neoplastic syndrome. Identifiers: Orphanet 140162, MedGen C0027672, MeSH D009386, MONDO:0015356.
Microcephaly, normal intelligence and immunodeficiency (NBS). Also called: Immunodeficiency, microcephaly with normal intelligence; SEEMANOVA SYNDROME II; Nijmegen breakage syndrome; Microcephaly with normal intelligence immunodeficiency and lymphoreticular malignancies; Nonsyndromal microcephaly autosomal recessive with normal intelligence; Seemanova syndrome 2. Identifiers: Orphanet 647, MedGen C0398791, MONDO:0009623, OMIM 251260.

Submissions (3):

Labcorp Genetics (formerly Invitae), Labcorp
Classification: Uncertain significance for Microcephaly, normal intelligence and immunodeficiency. Last evaluated: 2023-05-03. Review status: criteria provided, single submitter. Criteria: Invitae Variant Classification Sherloc (09022015). Collection method: clinical testing. Allele origin: germline.
Comment: This variant is not present in population databases (gnomAD no frequency). In summary, the available evidence is currently insufficient to determine the role of this variant in disease. Therefore, it has been classified as a Variant of Uncertain Significance. Algorithms developed to predict the effect of missense changes on protein structure and function output the following: SIFT: "Not Available"; PolyPhen-2: "Benign"; Align-GVGD: "Not Available". The valine amino acid residue is found in multiple mammalian species, which suggests that this missense change does not adversely affect protein function. ClinVar contains an entry for this variant (Variation ID: 630650). This variant has not been reported in the literature in individuals affected with NBN-related conditions. This sequence change replaces leucine, which is neutral and non-polar, with valine, which is neutral and non-polar, at codon 5 of the NBN protein (p.Leu5Val).

Ambry Genetics
Classification: Uncertain significance for Hereditary cancer-predisposing syndrome. Last evaluated: 2023-02-12. Review status: criteria provided, single submitter. Criteria: Ambry Variant Classification Scheme 2023. Collection method: clinical testing. Allele origin: germline.
Comment: The p.L5V variant (also known as c.13C>G), located in coding exon 1 of the NBN gene, results from a C to G substitution at nucleotide position 13. The leucine at codon 5 is replaced by valine, an amino acid with highly similar properties. This amino acid position is not well conserved in available vertebrate species. In addition, this alteration is predicted to be tolerated by in silico analysis. Since supporting evidence is limited at this time, the clinical significance of this alteration remains unclear.

Genome-Nilou Lab
Classification: Uncertain significance for Microcephaly, normal intelligence and immunodeficiency. Last evaluated: 2021-11-07. Review status: criteria provided, single submitter. Criteria: ACMG Guidelines, 2015. Collection method: clinical testing. Allele origin: germline. Affected: no.

NM_002485.5(NBN):c.13C>G (p.Leu5Val)

Gene: NBN (nibrin; minus strand). Cytogenetic location: 8q21.3.
Variant type: single nucleotide variant.
Coding change: c.13C>G on transcript NM_002485.5 (MANE Select); coding-DNA position 13, C replaced by G.
Protein change: p.Leu5Val; replaces leucine 5 with valine.
Molecular consequence: missense variant. On other transcripts: 5 prime UTR variant (1).
Genome position (GRCh38, 1-based): chr8:89,984,549, G>C on the plus strand (C>G on the coding strand, the complement: NBN is on the minus strand). VCF-style: chr8-89984549-G-C. GRCh37 (hg19) VCF-style: chr8-90996777-G-C.
Other names: c.-284C>G (NM_001024688.3); short protein forms L5V.
Identifiers: ClinVar variation 630650 (VCV000630650.17), dbSNP rs1563588747, ClinGen allele CA371664193.